The following is an entry in ClinVar:

ClinVar aggregate classification (germline): Uncertain significance (1 of 4 stars; one submission).

Allele frequency attached by ClinVar (database versions not stated): ExAC 0.00001; TOPMed 0.00001; gnomAD 0.00002.

Submission:

Labcorp Genetics (formerly Invitae), Labcorp
Classification: Uncertain significance. Last evaluated: 2023-09-27. Review status: criteria provided, single submitter. Criteria: Invitae Variant Classification Sherloc (09022015). Collection method: clinical testing. Allele origin: germline.
Comment: This variant is present in population databases (rs756142618, gnomAD 0.002%). This sequence change replaces proline, which is neutral and non-polar, with serine, which is neutral and polar, at codon 215 of the AMER1 protein (p.Pro215Ser). In summary, the available evidence is currently insufficient to determine the role of this variant in disease. Therefore, it has been classified as a Variant of Uncertain Significance. Algorithms developed to predict the effect of missense changes on protein structure and function output the following: SIFT: "Not Available"; PolyPhen-2: "Benign"; Align-GVGD: "Not Available". The serine amino acid residue is found in multiple mammalian species, which suggests that this missense change does not adversely affect protein function. This variant has not been reported in the literature in individuals affected with AMER1-related conditions.

NM_152424.4(AMER1):c.643C>T (p.Pro215Ser)

Gene: AMER1 (APC membrane recruitment protein 1; minus strand). Cytogenetic location: Xq11.2.
Variant type: single nucleotide variant.
Coding change: c.643C>T on transcript NM_152424.4 (MANE Select); coding-DNA position 643, C replaced by T.
Protein change: p.Pro215Ser; replaces proline 215 with serine.
Molecular consequence: missense variant.
Genome position (GRCh38, 1-based): chrX:64,192,644, G>A on the plus strand (C>T on the coding strand, the complement: AMER1 is on the minus strand). VCF-style: chrX-64192644-G-A. GRCh37 (hg19) VCF-style: chrX-63412524-G-A.
Other names: short protein forms P215S.
Identifiers: ClinVar variation 2786345 (VCV002786345.3), dbSNP rs756142618, ClinGen allele CA10432443.